The following is an entry in ClinVar:

ClinVar aggregate classification (germline): Conflicting classifications of pathogenicity. Review status: criteria provided, conflicting classifications (1 of 4 stars). 4 submissions from 4 submitters: Likely pathogenic (1); Uncertain significance (3). Last evaluated 2026-05-07.

Conditions:
CNGB1-related disorder. Also called: CNGB1-related condition.

Allele frequency attached by ClinVar (database versions not stated): gnomAD exomes 0.00001; ExAC 0.00002; TOPMed 0.00002.
gnomAD v4.1: 16 of 1,613,236 alleles (0.00099%); highest among the groups gnomAD compares: East Asian, 0.0045%; no homozygotes.

Submissions (4):

PreventionGenetics, part of Exact Sciences
Classification: Uncertain significance for CNGB1-related condition. Last evaluated: 2026-05-07. Review status: criteria provided, single submitter. Criteria: ACMG Guidelines, 2015. Collection method: clinical testing. Allele origin: germline.
Comment: The CNGB1 c.2294G>A variant is predicted to result in the amino acid substitution p.Arg765His. This variant has been reported in an apparently homozygous state in an individual with retinitis pigmentosa (Table S4, Panneman et al. 2023. PubMed ID: 36819107). This variant has also been reported de novo in an individual with Tourette syndrome (referred to as Table S4, chr16:57949163 C>T in Willsey et al. 2017. PubMed ID: 28472652). This variant is reported in 0.0051% of alleles in individuals of East Asian descent in gnomAD. Other variants affecting the same amino acid position, p.Arg765Cys and p.Arg765Leu, have been reported in individuals with retinitis pigmentosa or inherited retinal disease (for example, Table S1, Patel et al. 2016. PubMed ID: 26355662; Table S3, Zampaglione et al. 2021. PubMed ID: 34906470; Areblom et al. 2023. PubMed ID: 37510321; Schorderet et al. 2013. PubMed ID: 23484092; Habibi et al. 2016. PubMedID: 27874104). Although we suspect that this variant may be pathogenic, at this time, the clinical significance of this variant is uncertain due to the absence of conclusive functional and genetic evidence.

Labcorp Genetics (formerly Invitae), Labcorp
Classification: Likely pathogenic. Last evaluated: 2024-07-25. Review status: criteria provided, single submitter. Criteria: Invitae Variant Classification Sherloc (09022015). Collection method: clinical testing. Allele origin: germline.
Comment: This sequence change replaces arginine, which is basic and polar, with histidine, which is basic and polar, at codon 765 of the CNGB1 protein (p.Arg765His). This variant is present in population databases (rs761839551, gnomAD 0.005%). This missense change has been observed in individual(s) with retinitis pigmentosa (PMID: 36819107). ClinVar contains an entry for this variant (Variation ID: 866775). Advanced modeling of protein sequence and biophysical properties (such as structural, functional, and spatial information, amino acid conservation, physicochemical variation, residue mobility, and thermodynamic stability) performed at Invitae indicates that this missense variant is expected to disrupt CNGB1 protein function with a positive predictive value of 80%. This variant disrupts the p.Arg765 amino acid residue in CNGB1. Other variant(s) that disrupt this residue have been determined to be pathogenic (PMID: 27874104; Invitae). This suggests that this residue is clinically significant, and that variants that disrupt this residue are likely to be disease-causing. In summary, the currently available evidence indicates that the variant is pathogenic, but additional data are needed to prove that conclusively. Therefore, this variant has been classified as Likely Pathogenic.

Women's Health and Genetics/Laboratory Corporation of America, LabCorp
Classification: Uncertain significance. Last evaluated: 2023-04-21. Review status: criteria provided, single submitter. Criteria: LabCorp Variant Classification Summary - May 2015. Collection method: clinical testing. Allele origin: germline.
Comment: Variant summary: CNGB1 c.2294G>A (p.Arg765His) results in a non-conservative amino acid change in the encoded protein sequence. Five of five in-silico tools predict a damaging effect of the variant on protein function. The variant allele was found at a frequency of 8e-06 in 248618 control chromosomes (gnomAD). The available data on variant occurrences in the general population are insufficient to allow any conclusion about variant significance. To our knowledge, no occurrence of c.2294G>A in individuals affected with Retinitis Pigmentosa and no experimental evidence demonstrating its impact on protein function have been reported. Two ClinVar submitters have assessed the variant since 2014: one classified the variant as uncertain significance and one as likely pathogenic. Based on the evidence outlined above, the variant was classified as uncertain significance.

Blueprint Genetics
Classification: Uncertain significance. Last evaluated: 2021-05-20. Review status: criteria provided, single submitter. Criteria: ACMG Guidelines, 2015. Collection method: clinical testing. Allele origin: germline.

Literature cited by the submitters: PubMed 36819107 (cited by Labcorp Genetics (formerly Invitae), Labcorp); PubMed 27874104 (cited by Labcorp Genetics (formerly Invitae), Labcorp).

NM_001297.5(CNGB1):c.2294G>A (p.Arg765His)

Gene: CNGB1 (cyclic nucleotide gated channel subunit beta 1; minus strand). Cytogenetic location: 16q21.
Variant type: single nucleotide variant.
Coding change: c.2294G>A on transcript NM_001297.5 (MANE Select); coding-DNA position 2294, G replaced by A.
Protein change: p.Arg765His; replaces arginine 765 with histidine.
Molecular consequence: missense variant.
Genome position (GRCh38, 1-based): chr16:57,915,259, C>T on the plus strand (G>A on the coding strand, the complement: CNGB1 is on the minus strand). VCF-style: chr16-57915259-C-T. GRCh37 (hg19) VCF-style: chr16-57949163-C-T.
Other names: c.2276G>A, p.Arg759His (NM_001286130.2); short protein forms R759H, R765H.
Identifiers: ClinVar variation 866775 (VCV000866775.12), dbSNP rs761839551, ClinGen allele CA8083079.